The following is an entry in ClinVar:

NM_000018.4(ACADVL):c.656C>T (p.Pro219Leu)

Gene: ACADVL (acyl-CoA dehydrogenase very long chain; plus strand). Cytogenetic location: 17p13.1.
Variant type: single nucleotide variant.
Coding change: c.656C>T on transcript NM_000018.4 (MANE Select); coding-DNA position 656, C replaced by T.
Protein change: p.Pro219Leu; replaces proline 219 with leucine.
Molecular consequence: missense variant.
Genome position (GRCh38, 1-based): chr17:7,221,985, C>T. VCF-style: chr17-7221985-C-T. GRCh37 (hg19) VCF-style: chr17-7125304-C-T.
Other names: c.590C>T, p.Pro197Leu (NM_001033859.3); c.725C>T, p.Pro242Leu (NM_001270447.2); c.428C>T, p.Pro143Leu (NM_001270448.2); short protein forms P143L, P219L, P197L, P242L.
Identifiers: ClinVar variation 2901914 (VCV002901914.3), dbSNP rs2508297103, ClinGen allele CA397723405.
Genomic context (GRCh38, chr17:7,221,985, plus strand): 5'-GGGGTAAAGTAGCTCTCTCCCCAACAGGGGAGACTGTGGCCGCTTTCTGTCTAACCGAGC[C>T]CTCAAGCGGGTCAGATGCAGCCTCCATCCGAACCTCTGCTGTGCCCAGCCCCTGTGGAAA-3'
Protein context (NP_000009.1, residues 209-229): ETVAAFCLTE[Pro219Leu]SSGSDAASIR

ClinVar aggregate classification (germline): Likely pathogenic (1 of 4 stars; one submission).

Conditions:
Very long chain acyl-CoA dehydrogenase deficiency (ACADVLD). Also called: Very Long-Chain Acyl-Coenzyme A Dehydrogenase Deficiency; VLCAD Deficiency. Identifiers: Orphanet 26793, MedGen C3887523, MONDO:0008723, OMIM 201475.

Allele frequency attached by ClinVar (database versions not stated): gnomAD exomes below 0.00001.

Submission:

Labcorp Genetics (formerly Invitae), Labcorp
Classification: Likely pathogenic for Very long chain acyl-CoA dehydrogenase deficiency. Last evaluated: 2023-04-24. Review status: criteria provided, single submitter. Criteria: Invitae Variant Classification Sherloc (09022015). Collection method: clinical testing. Allele origin: germline.
Comment: In summary, the currently available evidence indicates that the variant is pathogenic, but additional data are needed to prove that conclusively. Therefore, this variant has been classified as Likely Pathogenic. This variant disrupts the p.Pro219 amino acid residue in ACADVL. Other variant(s) that disrupt this residue have been determined to be pathogenic (Invitae). This suggests that this residue is clinically significant, and that variants that disrupt this residue are likely to be disease-causing. Advanced modeling of protein sequence and biophysical properties (such as structural, functional, and spatial information, amino acid conservation, physicochemical variation, residue mobility, and thermodynamic stability) performed at Invitae indicates that this missense variant is expected to disrupt ACADVL protein function. This variant has not been reported in the literature in individuals affected with ACADVL-related conditions. This variant is not present in population databases (gnomAD no frequency). This sequence change replaces proline, which is neutral and non-polar, with leucine, which is neutral and non-polar, at codon 219 of the ACADVL protein (p.Pro219Leu).